The following is an entry in ClinVar:

NM_014714.4(IFT140):c.1428T>A (p.Ser476Arg)

Genes: IFT140 (intraflagellar transport 140; minus strand), LOC105371046 (uncharacterized LOC105371046; plus strand). Cytogenetic location: 16p13.3.
Variant type: single nucleotide variant.
Coding change: c.1428T>A on transcript NM_014714.4 (MANE Select); coding-DNA position 1428, T replaced by A.
Protein change: p.Ser476Arg; replaces serine 476 with arginine.
Molecular consequence: missense variant.
Genome position (GRCh38, 1-based): chr16:1,583,318, A>T on the plus strand (T>A on the coding strand, the complement: IFT140 is on the minus strand). VCF-style: chr16-1583318-A-T. GRCh37 (hg19) VCF-style: chr16-1633319-A-T.
Other names: short protein forms S476R.
Identifiers: ClinVar variation 967795 (VCV000967795.13), dbSNP rs771030841, ClinGen allele CA7814307.

ClinVar aggregate classification (germline): Conflicting classifications of pathogenicity. Review status: criteria provided, conflicting classifications (1 of 4 stars). 4 submissions from 4 submitters: Uncertain significance (3); Likely benign (1). Last evaluated 2025-08-04.

Conditions:
Saldino-Mainzer syndrome (SRTD9). Also called: Renal dysplasia, retinal pigmentary dystrophy, cerebellar ataxia and skeletal dysplasia; SHORT-RIB THORACIC DYSPLASIA 9 WITHOUT POLYDACTYLY; CONORENAL SYNDROME; short-rib thoracic dysplasia 9 with or without polydactyly. Identifiers: Orphanet 140969, MedGen C1849437, MONDO:0009964, OMIM 266920.
Inborn genetic diseases. Identifiers: MedGen C0950123, MeSH D030342.

Allele frequency attached by ClinVar (database versions not stated): ExAC 0.00002; gnomAD exomes 0.00004; TOPMed 0.00005; gnomAD 0.00007.
gnomAD v4.1: 121 of 1,613,794 alleles (0.0075%); highest among the groups gnomAD compares: Non-Finnish European, 0.0098%; no homozygotes.

Submissions (4):

Ambry Genetics
Classification: Uncertain significance for Inborn genetic diseases. Last evaluated: 2025-08-04. Review status: criteria provided, single submitter. Criteria: Ambry Variant Classification Scheme 2023. Collection method: clinical testing. Allele origin: germline.

Labcorp Genetics (formerly Invitae), Labcorp
Classification: Likely benign for Saldino-Mainzer syndrome. Last evaluated: 2025-03-05. Review status: criteria provided, single submitter. Criteria: Invitae Variant Classification Sherloc (09022015). Collection method: clinical testing. Allele origin: germline.

Blueprint Genetics
Classification: Uncertain significance. Last evaluated: 2022-09-12. Review status: criteria provided, single submitter. Criteria: ACMG Guidelines, 2015. Collection method: clinical testing. Allele origin: germline.

GeneDx
Classification: Uncertain significance. Last evaluated: 2020-06-25. Review status: criteria provided, single submitter. Criteria: GeneDx Variant Classification Process June 2021. Collection method: clinical testing. Allele origin: germline. Affected: yes.
Comment: In silico analysis supports that this missense variant does not alter protein structure/function; Has not been previously published as pathogenic or benign to our knowledge